The following is an entry in ClinVar:

NM_000051.4(ATM):c.866T>C (p.Ile289Thr)

Gene: ATM (ATM serine/threonine kinase; plus strand). Cytogenetic location: 11q22.3.
Variant type: single nucleotide variant.
Coding change: c.866T>C on transcript NM_000051.4 (MANE Select); coding-DNA position 866, T replaced by C.
Protein change: p.Ile289Thr; replaces isoleucine 289 with threonine.
Molecular consequence: missense variant.
Genome position (GRCh38, 1-based): chr11:108,244,991, T>C. VCF-style: chr11-108244991-T-C. GRCh37 (hg19) VCF-style: chr11-108115718-T-C.
Other names: c.866T>C, p.Ile289Thr (NM_001351834.2); short protein forms I289T.
Identifiers: ClinVar variation 644795 (VCV000644795.13), dbSNP rs35261362, ClinGen allele CA228384989.

ClinVar aggregate classification (germline): Uncertain significance. Review status: criteria provided, multiple submitters, no conflicts (2 of 4 stars). 3 submissions from 3 submitters: Uncertain significance (2). 1 of the submissions does not count toward it. Last evaluated 2023-05-23.

Conditions:
Ataxia-telangiectasia syndrome (AT). Also called: LOUIS-BAR SYNDROME; Ataxia-telangiectasia, complementation group E; Ataxia-telangiectasia, complementation group D; AT, COMPLEMENTATION GROUP C; Ataxia telangiectasia (A-T); Cerebello-oculocutaneous telangiectasia. Identifiers: Orphanet 100, MedGen C0004135, MONDO:0008840, OMIM 208900.
Hereditary cancer-predisposing syndrome. Also called: Neoplastic Syndromes, Hereditary; Hereditary Cancer Syndrome; Hereditary neoplastic syndrome; Tumor predisposition. Identifiers: Orphanet 140162, MedGen C0027672, MeSH D009386, MONDO:0015356.

Allele frequency attached by ClinVar (database versions not stated): gnomAD exomes below 0.00001.
gnomAD v4.1: 2 of 1,611,978 alleles (0.00012%); highest among the groups gnomAD compares: Non-Finnish European, 0.00017%; no homozygotes.

Submissions (3):

Color Diagnostics, LLC DBA Color Health
Classification: Uncertain significance for Hereditary cancer-predisposing syndrome. Last evaluated: 2023-05-23. Review status: criteria provided, single submitter. Criteria: ACMG Guidelines, 2015. Collection method: clinical testing. Allele origin: germline.
Comment: This missense variant replaces isoleucine with threonine at codon 289 of the ATM protein. Computational prediction suggests that this variant may not impact protein structure and function (internally defined REVEL score threshold <= 0.5, PMID: 27666373). To our knowledge, functional studies have not been reported for this variant. This variant has not been reported in individuals affected with ATM-related disorders in the literature. This variant has not been identified in the general population by the Genome Aggregation Database (gnomAD). The available evidence is insufficient to determine the role of this variant in disease conclusively. Therefore, this variant is classified as a Variant of Uncertain Significance.

Labcorp Genetics (formerly Invitae), Labcorp
Classification: Uncertain significance for Ataxia-telangiectasia syndrome. Last evaluated: 2018-07-08. Review status: criteria provided, single submitter. Criteria: Invitae Variant Classification Sherloc (09022015). Collection method: clinical testing. Allele origin: germline.
Comment: This variant is not present in population databases (ExAC no frequency). This sequence change replaces isoleucine with threonine at codon 289 of the ATM protein (p.Ile289Thr). The isoleucine residue is weakly conserved and there is a moderate physicochemical difference between isoleucine and threonine. This variant has not been reported in the literature in individuals with ATM-related disease. In summary, the available evidence is currently insufficient to determine the role of this variant in disease. Therefore, it has been classified as a Variant of Uncertain Significance. Algorithms developed to predict the effect of missense changes on protein structure and function (SIFT, PolyPhen-2, Align-GVGD) all suggest that this variant is likely to be tolerated, but these predictions have not been confirmed by published functional studies and their clinical significance is uncertain.

Natera, Inc.
Classification: Uncertain significance for Ataxia-telangiectasia. Last evaluated: 2020-09-16. Review status: no assertion criteria provided. Collection method: clinical testing. Allele origin: germline. Not counted in ClinVar's aggregate classification.